The following is an entry in ClinVar:

NM_033409.4(SLC52A3):c.374C>T (p.Thr125Ile)

Gene: SLC52A3 (solute carrier family 52 member 3; minus strand). Cytogenetic location: 20p13.
Variant type: single nucleotide variant.
Coding change: c.374C>T on transcript NM_033409.4 (MANE Select); coding-DNA position 374, C replaced by T.
Protein change: p.Thr125Ile; replaces threonine 125 with isoleucine.
Molecular consequence: missense variant.
Genome position (GRCh38, 1-based): chr20:765,401, G>A on the plus strand (C>T on the coding strand, the complement: SLC52A3 is on the minus strand). VCF-style: chr20-765401-G-A. GRCh37 (hg19) VCF-style: chr20-746045-G-A.
Other names: c.374C>T, p.Thr125Ile (NM_001370085.1, NM_001370086.1); short protein forms T125I.
Identifiers: ClinVar variation 2583157 (VCV002583157.2), dbSNP rs767263985, ClinGen allele CA407963968.
Genomic context (GRCh38, chr20:765,401, plus strand): 5'-TCACCCACAAAGAAGGTGGTGAGGTAGTAGGTGGGCAGCCGGCTCATGAACGGCAGGAAG[G>A]TCACTGAAGAGGTGCAGTCCACCAGGGCCAGGAAGAAGGTGAGGACCAAGAAGGCGATGC-3'
Protein context (NP_212134.3, residues 115-135): LALVDCTSSV[Thr125Ile]FLPFMSRLPT

ClinVar aggregate classification (germline): Likely pathogenic (1 of 4 stars; one submission).

Conditions:
Brown-Vialetto-van Laere syndrome 1. Also called: BROWN-VIALETTO-VAN LAERE SYNDROME 1, MILD; BULBAR PALSY, PROGRESSIVE, WITH SENSORINEURAL DEAFNESS; PONTOBULBAR PALSY WITH DEAFNESS. Identifiers: Orphanet 572550, Orphanet 97229, MedGen C0796274, MONDO:0024537, OMIM 211530.

Submission:

Human Genome Lab, NIMHANS, National Institute of Mental Health and Neuro Sciences
Classification: Likely pathogenic for Brown-Vialetto-van Laere syndrome 1. Review status: criteria provided, single submitter. Criteria: ACMG Guidelines, 2015. Collection method: clinical testing. Allele origin: germline. Inheritance: Autosomal recessive inheritance. Affected: yes. Observed: 1 homozygote.
Comment: The missense variant NM_033409.4:c.374C>T (NP_212134.3:p.Thr125Ile) has not been reported previously as a pathogenic variant nor as a benign variant, to our knowledge. The p.Thr125Ile variant is novel (not in any individuals) in 1000 Genomes. The p.Thr125Ile variant is novel (not in any individuals) in gnomAD as well as in our inhouse database. There is a moderate physicochemical difference between threonine and isoleucine. The gene SLC52A3 has a low rate of benign missense variation as indicated by a high missense variants Z-Score of 1.25. The gene SLC52A3 contains 12 pathogenic missense variants, indicating that missense variants are a common mechanism of disease in this gene. The p.Thr125Ile missense variant is predicted to be damaging by both SIFT and PolyPhen2. The threonine residue at codon 125 of SLC52A3 is conserved in all mammalian species. The nucleotide c.374 in SLC52A3 is predicted conserved by GERP++ and PhyloP across 100 vertebrates. In addition the clinical phenotype of the proband matches with that caused by pathogenic variants in SLC52A3. For these reasons, this variant has been classified as Uncertain Significance. (PM2 PP2 PP3 PP4_ Moderate PP1)